The following is an entry in ClinVar:

NM_001199107.2(TBC1D24):c.619C>T (p.Gln207Ter)

Gene: TBC1D24 (TBC1 domain family member 24; plus strand). Cytogenetic location: 16p13.3.
Variant type: single nucleotide variant.
Coding change: c.619C>T on transcript NM_001199107.2 (MANE Select); coding-DNA position 619, C replaced by T.
Protein change: p.Gln207Ter; replaces glutamine 207 with a stop codon.
Molecular consequence: nonsense.
Genome position (GRCh38, 1-based): chr16:2,496,767, C>T. VCF-style: chr16-2496767-C-T. GRCh37 (hg19) VCF-style: chr16-2546768-C-T.
Other names: c.619C>T, p.Gln207Ter (NM_020705.3); short protein forms Q207*.
Identifiers: ClinVar variation 523796 (VCV000523796.8), dbSNP rs770107050, ClinGen allele CA7844031.

ClinVar aggregate classification (germline): Pathogenic/Likely pathogenic. Review status: criteria provided, multiple submitters, no conflicts (2 of 4 stars). 5 submissions from 5 submitters: Pathogenic (4); Likely pathogenic (1). Last evaluated 2026-09-02.

Conditions:
TBC1D24-related disorder. Also called: TBC1D24-related condition; TBC1D24-related disorders. Identifiers: MedGen CN381194.
Autosomal recessive nonsyndromic hearing loss 86 (DFNB86). Also called: TBC1D24-Related Autosomal Recessive Nonsyndromic Hearing Loss (DFNB); Deafness , autosomal recessive 86. Identifiers: Orphanet 90636, MedGen C2829265, MONDO:0013826, OMIM 614617.
Familial infantile myoclonic epilepsy (FIME). Also called: TBC1D24-Related Familial Infantile Myoclonic Epilepsy (FIME); Epilepsy, Myoclonic, Infantile. Identifiers: Orphanet 352582, MedGen C0917800, MONDO:0011506, OMIM 605021.
DOORS syndrome (DOORS). Also called: DEAFNESS, ONYCHODYSTROPHY, OSTEODYSTROPHY, IMPAIRED INTELLECTUAL DEVELOPMENT, AND SEIZURES SYNDROME; DOORS Syndrome (Deafness, Onychodystrophy, Osteodystrophy, Mental Retardation, and Seizures); DRC SYNDROME; BRACHYDACTYLY DUE TO ABSENCE OF DISTAL PHALANGES; ERONEN SYNDROME; DOOR SYNDROME. Identifiers: Orphanet 3231, Orphanet 79500, MedGen C0795934, MONDO:0009079, OMIM 220500. Disease mechanism: loss of function.
Rolandic epilepsy-paroxysmal exercise-induced dystonia-writer's cramp syndrome. Also called: TBC1D24-Related Rolandic Epilepsy with Paroxysmal Exercise-Induced Dystonia and Writer's Cramp (EPRPDC); RE-PED-WC. Identifiers: Orphanet 163727, MedGen C1842531, MONDO:0011970, OMIM 608105.
Developmental and epileptic encephalopathy, 16 (DEE16). Also called: TBC1D24-Related Developmental and Epileptic Encephalopathy (DEE); Early infantile epileptic encephalopathy 16. Identifiers: Orphanet 293181, Orphanet 352596, MedGen C3809173, MONDO:0014133, OMIM 615338.
Autosomal dominant nonsyndromic hearing loss 65. Also called: Deafness, autosomal dominant 65; TBC1D24-Related Autosomal Dominant Nonsyndromic Hearing Loss (DFNA). Identifiers: Orphanet 90635, MedGen C3892048, MONDO:0014470, OMIM 616044.

Allele frequency attached by ClinVar (database versions not stated): gnomAD 0.00001; TOPMed 0.00002.
gnomAD v4.1: 12 of 1,613,884 alleles (0.00074%); highest among the groups gnomAD compares: Admixed American, 0.0017%; no homozygotes.

Submissions (5):

PreventionGenetics, part of Exact Sciences
Classification: Pathogenic for TBC1D24-related condition. Last evaluated: 2026-09-02. Review status: criteria provided, single submitter. Criteria: ACMG Guidelines, 2015. Collection method: clinical testing. Allele origin: germline.
Comment: The TBC1D24 c.619C>T variant is predicted to result in premature protein termination (p.Gln207*). This variant was reported in the suspected or confirmed compound heterozygous state in individuals with epilepsy with or without additional neurologic features and/or deafness (Table e-1, Balestrini et al. 2016. PubMed ID: 27281533; Supplementary Table 2, Burgess et al. 2019. PubMed ID: 31618474). This variant was also observed in the heterozygous state in a patient with epilepsy, developmental delay and deafness but no second variant was identified (Zhang et al. 2019. PubMed ID: 31112829). This variant is reported in 0.0044% of alleles in individuals of European (Non-Finnish) descent in gnomAD. Nonsense variants in TBC1D24 are expected to be pathogenic. This variant is interpreted as pathogenic for autosomal recessive TBC1D24-related disease.

GeneDx
Classification: Pathogenic. Last evaluated: 2025-11-06. Review status: criteria provided, single submitter. Criteria: GeneDx Variant Classification Process June 2021. Collection method: clinical testing. Allele origin: germline. Affected: yes.
Comment: Nonsense variant predicted to result in protein truncation or nonsense mediated decay in a gene for which loss-of-function is a known mechanism of disease; Not observed at significant frequency in large population cohorts (gnomAD); This variant is associated with the following publications: (PMID: 28663785, 30180405, 31618474, 27784474, 31112829, 27281533)

3billion
Classification: Pathogenic for Rolandic epilepsy-paroxysmal exercise-induced dystonia-writer's cramp syndrome. Last evaluated: 2023-10-12. Review status: criteria provided, single submitter. Criteria: ACMG Guidelines, 2015. Collection method: clinical testing. Allele origin: germline. Affected: yes.
Comment: The variant is observed at an extremely low frequency in the gnomAD v2.1.1 dataset (total allele frequency: 0.002%). Predicted Consequence/Location: Stop-gained (nonsense): predicted to result in a loss or disruption of normal protein function through nonsense-mediated decay (NMD) or protein truncation. Multiple pathogenic variants are reported downstream of the variant. The variant has been reported to be associated with TBC1D24 related disorder (ClinVar ID: VCV000523796 /PMID: 27281533). Therefore, this variant is classified as Pathogenic according to the recommendation of ACMG/AMP guideline.

Blueprint Genetics
Classification: Likely pathogenic for TBC1D24-related disorders. Last evaluated: 2023-06-06. Review status: criteria provided, single submitter. Criteria: ACMG Guidelines, 2015. Collection method: clinical testing. Allele origin: germline. Affected: yes. Observed: 2 variant alleles.

Department of Pathology and Laboratory Medicine, Sinai Health System
Classification: Pathogenic for DOORS syndrome; Familial infantile myoclonic epilepsy; Rolandic epilepsy-paroxysmal exercise-induced dystonia-writer's cramp syndrome; Autosomal recessive nonsyndromic hearing loss 86; Developmental and epileptic encephalopathy, 16; Autosomal dominant nonsyndromic hearing loss 65. Last evaluated: 2021-11-18. Review status: criteria provided, single submitter. Criteria: ACMG Guidelines, 2015. Collection method: research. Allele origin: germline.

Literature cited by the submitters: PubMed 27281533 (cited by 3billion).